The following is an entry in ClinVar:

NM_024675.4(PALB2):c.1924A>G (p.Met642Val)

Gene: PALB2 (partner and localizer of BRCA2; minus strand). Cytogenetic location: 16p12.2.
Variant type: single nucleotide variant.
Coding change: c.1924A>G on transcript NM_024675.4 (MANE Select); coding-DNA position 1924, A replaced by G.
Protein change: p.Met642Val; replaces methionine 642 with valine.
Molecular consequence: missense variant. On other transcripts: intron variant (1).
Genome position (GRCh38, 1-based): chr16:23,630,230, T>C on the plus strand (A>G on the coding strand, the complement: PALB2 is on the minus strand). VCF-style: chr16-23630230-T-C. GRCh37 (hg19) VCF-style: chr16-23641551-T-C.
Other names: c.1039A>G, p.Met347Val (NM_001407308.1, NM_001407309.1, NM_001407310.1 and 5 more transcripts); c.136A>G, p.Met46Val (NM_001407312.1, NM_001407313.1); c.49-955A>G (NM_001407314.1); c.1864A>G, p.Met622Val (NM_001407296.1); c.1924A>G, p.Met642Val (NM_001407297.1, NM_001407298.1, NM_001407299.1 and 3 more transcripts); short protein forms M642V, M622V, M347V, M46V.
Identifiers: ClinVar variation 5026145 (VCV005026145.1).

ClinVar aggregate classification (germline): Uncertain significance (1 of 4 stars; one submission).

Conditions:
Hereditary cancer-predisposing syndrome. Also called: Neoplastic Syndromes, Hereditary; Tumor predisposition; Hereditary neoplastic syndrome; Hereditary Cancer Syndrome. Identifiers: Orphanet 140162, MedGen C0027672, MeSH D009386, MONDO:0015356.

Submission:

Ambry Genetics
Classification: Uncertain significance for Hereditary cancer-predisposing syndrome. Last evaluated: 2026-06-28. Review status: criteria provided, single submitter. Criteria: Ambry Variant Classification Scheme 2023. Collection method: clinical testing. Allele origin: germline.
Comment: The p.M642V variant (also known as c.1924A>G), located in coding exon 5 of the PALB2 gene, results from an A to G substitution at nucleotide position 1924. The methionine at codon 642 is replaced by valine, an amino acid with highly similar properties. This amino acid position is conserved. In addition, this alteration is predicted to be tolerated by in silico analysis. Based on the available evidence, the clinical significance of this variant remains unclear.